The following is an entry in ClinVar:

NM_001077365.2(POMT1):c.2084G>A (p.Arg695His)

Gene: POMT1 (protein O-mannosyltransferase 1; plus strand). Cytogenetic location: 9q34.13.
Variant type: single nucleotide variant.
Coding change: c.2084G>A on transcript NM_001077365.2 (MANE Select); coding-DNA position 2084, G replaced by A.
Protein change: p.Arg695His; replaces arginine 695 with histidine.
Molecular consequence: missense variant. On other transcripts: non-coding transcript variant (10).
Genome position (GRCh38, 1-based): chr9:131,523,012, G>A. VCF-style: chr9-131523012-G-A. GRCh37 (hg19) VCF-style: chr9-134398399-G-A.
Other names: c.1922G>A, p.Arg641His (NM_001077366.2, NM_001353194.2); c.2084G>A, p.Arg695His (NM_001136113.2); c.1733G>A, p.Arg578His (NM_001136114.2, NM_001353195.2, NM_001374691.1 and 2 more transcripts); c.2150G>A, p.Arg717His (NM_001353193.2, NM_007171.4); c.1994G>A, p.Arg665His (NM_001353196.2); c.1988G>A, p.Arg663His (NM_001353197.2, NM_001353198.2); c.1799G>A, p.Arg600His (NM_001353199.2); c.1628G>A, p.Arg543His (NM_001353200.2); and 3 more; short protein forms R717H, R600H, R641H, R663H, R695H, R543H, R578H, R665H.
Identifiers: ClinVar variation 568812 (VCV000568812.7), dbSNP rs373402995, ClinGen allele CA5293935.
Genomic context (GRCh38, chr9:131,523,012, plus strand): 5'-TCTTCAGCGCCCTGGTGGTGGCCTGGTACTCCTCCGCGTGCCACGTGTCCAACACGCTGC[G>A]CCCACTCACCTACGGGGACAAGTCACTCTCGCCACATGAACTCAAGGCCCTTCGCTGGAA-3'
Protein context (NP_001070833.1, residues 685-705): SSACHVSNTL[Arg695His]PLTYGDKSLS

ClinVar aggregate classification (germline): Uncertain significance. Review status: criteria provided, multiple submitters, no conflicts (2 of 4 stars). 3 submissions from 3 submitters: Uncertain significance (3). Last evaluated 2023-12-08.

Conditions:
Autosomal recessive limb-girdle muscular dystrophy type 2K. Also called: MUSCULAR DYSTROPHY-DYSTROGLYCANOPATHY (LIMB-GIRDLE), TYPE C, 1; MUSCULAR DYSTROPHY, LIMB-GIRDLE, TYPE 2K. Identifiers: Orphanet 86812, MedGen C1836373, MONDO:0012248, OMIM 609308.
Walker-Warburg congenital muscular dystrophy. Also called: Muscular dystrophy-dystroglycanopathy, type A; Walker-Warburg syndrome. Identifiers: Orphanet 899, MedGen C0265221, MONDO:0000171.
Muscular dystrophy-dystroglycanopathy (congenital with impaired intellectual development), type B, 1. Also called: Muscular dystrophy-dystroglycanopathy (congenital with intellectual disability), type B1; MUSCULAR DYSTROPHY, CONGENITAL, POMT1-RELATED. Identifiers: MedGen C5436962, MONDO:0013159, OMIM 613155.
Inborn genetic diseases. Identifiers: MedGen C0950123, MeSH D030342.

Allele frequency attached by ClinVar (database versions not stated): gnomAD exomes 0.00002 and 0.00006; ESP Exome Variant Server 0.00008; gnomAD 0.00002; ExAC 0.00006; TOPMed 0.00002.
gnomAD v4.1: 89 of 1,609,656 alleles (0.0055%); highest among the groups gnomAD compares: Middle Eastern, 0.022%; no homozygotes.

Submissions (3):

Ambry Genetics
Classification: Uncertain significance for Inborn genetic diseases. Last evaluated: 2023-12-08. Review status: criteria provided, single submitter. Criteria: Ambry Variant Classification Scheme 2023. Collection method: clinical testing. Allele origin: germline.

GeneDx
Classification: Uncertain significance. Last evaluated: 2022-10-06. Review status: criteria provided, single submitter. Criteria: GeneDx Variant Classification Process June 2021. Collection method: clinical testing. Allele origin: germline. Affected: yes.
Comment: Not observed at significant frequency in large population cohorts (gnomAD); In silico analysis supports that this missense variant does not alter protein structure/function; Has not been previously published as pathogenic or benign to our knowledge; This variant is associated with the following publications: (PMID: 22549409)

Labcorp Genetics (formerly Invitae), Labcorp
Classification: Uncertain significance for Muscular dystrophy-dystroglycanopathy (congenital with impaired intellectual development), type B, 1; Walker-Warburg congenital muscular dystrophy; Autosomal recessive limb-girdle muscular dystrophy type 2K. Last evaluated: 2022-02-09. Review status: criteria provided, single submitter. Criteria: Invitae Variant Classification Sherloc (09022015). Collection method: clinical testing. Allele origin: germline.
Comment: This sequence change replaces arginine, which is basic and polar, with histidine, which is basic and polar, at codon 717 of the POMT1 protein (p.Arg717His). This variant is present in population databases (rs373402995, gnomAD 0.006%). This variant has not been reported in the literature in individuals affected with POMT1-related conditions. ClinVar contains an entry for this variant (Variation ID: 568812). Algorithms developed to predict the effect of missense changes on protein structure and function (SIFT, PolyPhen-2, Align-GVGD) all suggest that this variant is likely to be tolerated. In summary, the available evidence is currently insufficient to determine the role of this variant in disease. Therefore, it has been classified as a Variant of Uncertain Significance.